The following is an entry in ClinVar:

NM_199334.5(THRA):c.976T>G (p.Ser326Ala)

Gene: THRA (thyroid hormone receptor alpha; plus strand). Cytogenetic location: 17q21.1.
Variant type: single nucleotide variant.
Coding change: c.976T>G on transcript NM_199334.5 (MANE Select); coding-DNA position 976, T replaced by G.
Protein change: p.Ser326Ala; replaces serine 326 with alanine.
Molecular consequence: missense variant.
Genome position (GRCh38, 1-based): chr17:40,088,494, T>G. VCF-style: chr17-40088494-T-G. GRCh37 (hg19) VCF-style: chr17-38244747-T-G.
Other names: c.976T>G, p.Ser326Ala (NM_001190918.2, NM_001190919.2, NM_003250.6); short protein forms S326A.
Identifiers: ClinVar variation 1691575 (VCV001691575.3), dbSNP rs2145085353, ClinGen allele CA399276118.

ClinVar aggregate classification (germline): Uncertain significance (1 of 4 stars; one submission).

Submission:

GeneDx
Classification: Uncertain significance. Last evaluated: 2021-12-11. Review status: criteria provided, single submitter. Criteria: GeneDx Variant Classification Process June 2021. Collection method: clinical testing. Allele origin: germline. Affected: yes.
Comment: Not observed at significant frequency in large population cohorts (gnomAD); In silico analysis supports that this missense variant does not alter protein structure/function; Has not been previously published as pathogenic or benign to our knowledge